The following is an entry in ClinVar:

NM_001040424.3(PRDM15):c.18C>T (p.Ser6=)

Gene: PRDM15 (PR/SET domain 15; minus strand). Cytogenetic location: 21q22.3.
Variant type: single nucleotide variant.
Coding change: c.18C>T on transcript NM_001040424.3 (MANE Select); coding-DNA position 18, C replaced by T.
Protein change: p.Ser6=; no amino-acid change (serine 6 retained).
Molecular consequence: synonymous variant. On other transcripts: non-coding transcript variant (4).
Genome position (GRCh38, 1-based): chr21:41,860,346, G>A on the plus strand (C>T on the coding strand, the complement: PRDM15 is on the minus strand). VCF-style: chr21-41860346-G-A. GRCh37 (hg19) VCF-style: chr21-43280455-G-A.
Other names: c.18C>T, p.Ser6= (NM_001282934.2, NM_022115.7).
Identifiers: ClinVar variation 2652692 (VCV002652692.24), dbSNP rs142772562, ClinGen allele CA10037249.

ClinVar aggregate classification (germline): Likely benign (1 of 4 stars; one submission).

Allele frequency attached by ClinVar (database versions not stated): gnomAD exomes 0.00002; ExAC 0.00003; gnomAD 0.00003; 1000 Genomes Project 30x 0.00031; 1000 Genomes Project 0.00040.
gnomAD v4.1: 39 of 1,613,764 alleles (0.0024%); highest among the groups gnomAD compares: Middle Eastern, 0.033%; 1 homozygote.

Submission:

CeGaT Center for Human Genetics Tuebingen
Classification: Likely benign. Last evaluated: 2022-10-01. Review status: criteria provided, single submitter. Criteria: CeGaT Center For Human Genetics Tuebingen Variant Classification Criteria Version 2. Collection method: clinical testing. Allele origin: germline. Affected: yes. Observed: 1 variant allele.
Comment: PRDM15: BP4, BP7